The following is an entry in ClinVar:

ClinVar aggregate classification (germline): Uncertain significance (1 of 4 stars; one submission).

Allele frequency attached by ClinVar (database versions not stated): ExAC 0.00001; gnomAD 0.00001; gnomAD exomes 0.00001.
gnomAD v4.1: 12 of 1,613,624 alleles (0.00074%); highest among the groups gnomAD compares: African/African-American, 0.0013%; no homozygotes.

Submission:

Labcorp Genetics (formerly Invitae), Labcorp
Classification: Uncertain significance. Last evaluated: 2025-04-14. Review status: criteria provided, single submitter. Criteria: Invitae Variant Classification Sherloc (09022015). Collection method: clinical testing. Allele origin: germline.
Comment: This sequence change replaces serine, which is neutral and polar, with leucine, which is neutral and non-polar, at codon 4939 of the USH2A protein (p.Ser4939Leu). This variant is present in population databases (rs775948052, gnomAD 0.007%). This variant has not been reported in the literature in individuals affected with USH2A-related conditions. ClinVar contains an entry for this variant (Variation ID: 1446290). Invitae Evidence Modeling of protein sequence and biophysical properties (such as structural, functional, and spatial information, amino acid conservation, physicochemical variation, residue mobility, and thermodynamic stability) indicates that this missense variant is not expected to disrupt USH2A protein function with a negative predictive value of 95%. In summary, the available evidence is currently insufficient to determine the role of this variant in disease. Therefore, it has been classified as a Variant of Uncertain Significance.

NM_206933.4(USH2A):c.14816C>T (p.Ser4939Leu)

Gene: USH2A (usherin; minus strand). Cytogenetic location: 1q41.
Variant type: single nucleotide variant.
Coding change: c.14816C>T on transcript NM_206933.4 (MANE Select); coding-DNA position 14816, C replaced by T.
Protein change: p.Ser4939Leu; replaces serine 4939 with leucine.
Molecular consequence: missense variant.
Genome position (GRCh38, 1-based): chr1:215,640,710, G>A on the plus strand (C>T on the coding strand, the complement: USH2A is on the minus strand). VCF-style: chr1-215640710-G-A. GRCh37 (hg19) VCF-style: chr1-215814052-G-A.
Other names: short protein forms S4939L.
Identifiers: ClinVar variation 1446290 (VCV001446290.6), dbSNP rs775948052, ClinGen allele CA1392908.
Genomic context (GRCh38, chr1:215,640,710, plus strand): 5'-CCGTTCAGGAGGAAGGTGTCACTCCAGTTCACACACACCACAGACAAATTGCTGTCCACC[G>A]AAAATGGGGCTCGGTACTGAGGCACTGTGGGGAGAAAGTTGTATGTTCTAAAAAGGGTAA-3'
Protein context (NP_996816.3, residues 4929-4949): KELPQYRAPF[Ser4939Leu]VDSNLSVVCV